The following is an entry in ClinVar:

ClinVar aggregate classification (germline): Uncertain significance (1 of 4 stars; one submission).

Conditions:
Malignant hyperthermia, susceptibility to, 1 (MHS1). Also called: Anesthesia related hyperthermia; Malignant hyperpyrexia; Fulminating hyperpyrexia; Pharmacogenic myopathy; RYR1-Related Malignant Hyperthermia Susceptibility; Malignant hyperthermia suceptibility 1. Identifiers: Orphanet 423, MedGen C2930980, MONDO:0007783, OMIM 145600.

gnomAD v4.1: 4 of 1,614,238 alleles (0.00025%); highest among the groups gnomAD compares: South Asian, 0.0022%; no homozygotes.

Submission:

All of Us Research Program, National Institutes of Health
Classification: Uncertain significance for Malignant hyperthermia, susceptibility to, 1. Last evaluated: 2024-08-13. Review status: criteria provided, single submitter. Criteria: ACMG Guidelines, 2015. Collection method: clinical testing. Allele origin: germline. Inheritance: Autosomal dominant inheritance. Observed: 1 variant allele, 1 heterozygote.
Comment: This missense variant replaces proline with leucine at codon 326 of the RYR1 protein. Computational prediction is inconclusive regarding the impact of this variant on protein structure and function (internally defined REVEL score threshold 0.5 < inconclusive < 0.7, PMID: 27666373). To our knowledge, functional studies have not been reported for this variant. This variant has not been reported in individuals affected with RYR1-related disorders in the literature. This variant has been identified in 1/251418 chromosomes in the general population by the Genome Aggregation Database (gnomAD). The available evidence is insufficient to determine the role of this variant in disease conclusively. Therefore, this variant is classified as a Variant of Uncertain Significance.

This study involves interpretation of variants in research participants for the purpose of population health screening. Participant phenotype was not available at the time of variant classification. Additional details can be found in publication PMID: 35346344, PMCID: PMC8962531

NM_000540.3(RYR1):c.977C>T (p.Pro326Leu)

Gene: RYR1 (ryanodine receptor 1; plus strand). Cytogenetic location: 19q13.2.
Variant type: single nucleotide variant.
Coding change: c.977C>T on transcript NM_000540.3 (MANE Select); coding-DNA position 977, C replaced by T.
Protein change: p.Pro326Leu; replaces proline 326 with leucine.
Molecular consequence: missense variant.
Genome position (GRCh38, 1-based): chr19:38,448,668, C>T. VCF-style: chr19-38448668-C-T. GRCh37 (hg19) VCF-style: chr19-38939308-C-T.
Other names: c.977C>T, p.Pro326Leu (NM_001042723.2); short protein forms P326L.
Identifiers: ClinVar variation 3387635 (VCV003387635.1).